The following is an entry in ClinVar:

ClinVar aggregate classification (germline): Uncertain significance (1 of 4 stars; one submission).

gnomAD v4.1: 5 of 1,208,013 alleles (0.00041%); highest among the groups gnomAD compares: Admixed American, 0.0022%; no homozygotes.

Submission:

Labcorp Genetics (formerly Invitae), Labcorp
Classification: Uncertain significance. Last evaluated: 2024-02-23. Review status: criteria provided, single submitter. Criteria: Invitae Variant Classification Sherloc (09022015). Collection method: clinical testing. Allele origin: germline.
Comment: This sequence change replaces arginine, which is basic and polar, with glutamine, which is neutral and polar, at codon 709 of the CLCN5 protein (p.Arg709Gln). This variant is present in population databases (no rsID available, gnomAD 0.004%). This variant has not been reported in the literature in individuals affected with CLCN5-related conditions. An algorithm developed to predict the effect of missense changes on protein structure and function (PolyPhen-2) suggests that this variant is likely to be disruptive. In summary, the available evidence is currently insufficient to determine the role of this variant in disease. Therefore, it has been classified as a Variant of Uncertain Significance.

NM_001127898.4(CLCN5):c.2336G>A (p.Arg779Gln)

Genes: CLCN5 (chloride voltage-gated channel 5; plus strand), LOC126863258 (BRD4-independent group 4 enhancer GRCh37_chrX:49854497-49855696; plus strand). Cytogenetic location: Xp11.23.
Variant type: single nucleotide variant.
Coding change: c.2336G>A on transcript NM_001127898.4 (MANE Select); coding-DNA position 2336, G replaced by A.
Protein change: p.Arg779Gln; replaces arginine 779 with glutamine.
Molecular consequence: missense variant.
Genome position (GRCh38, 1-based): chrX:50,090,862, G>A. VCF-style: chrX-50090862-G-A. GRCh37 (hg19) VCF-style: chrX-49855519-G-A.
Other names: c.2126G>A, p.Arg709Gln (NM_000084.5); c.2336G>A, p.Arg779Gln (NM_001127899.4); c.2186G>A, p.Arg729Gln (NM_001282163.2); short protein forms R709Q, R729Q, R779Q.
Identifiers: ClinVar variation 3617140 (VCV003617140.2).